The following is an entry in ClinVar:

ClinVar aggregate classification (germline): Benign. Review status: criteria provided, single submitter (1 of 4 stars). 2 submissions from 2 submitters: Benign (1). 1 of the submissions does not count toward it. Last evaluated 2025-12-15.

Conditions:
CCDC115-related disorder. Also called: CCDC115-related condition.

Allele frequency attached by ClinVar (database versions not stated): gnomAD 0.00085; 1000 Genomes Project 30x 0.00016; ExAC 0.00078; 1000 Genomes Project 0.00020; ESP Exome Variant Server 0.00092; TOPMed 0.00080.
gnomAD v4.1: 1,797 of 1,613,988 alleles (0.11%); highest among the groups gnomAD compares: Non-Finnish European, 0.11%; 3 homozygotes.

Submissions (2):

Labcorp Genetics (formerly Invitae), Labcorp
Classification: Benign. Last evaluated: 2025-12-15. Review status: criteria provided, single submitter. Criteria: Invitae Variant Classification Sherloc (09022015). Collection method: clinical testing. Allele origin: germline.

PreventionGenetics, part of Exact Sciences
Classification: Benign for CCDC115-related condition. Last evaluated: 2019-10-01. Review status: no assertion criteria provided. Collection method: clinical testing. Allele origin: germline. Not counted in ClinVar's aggregate classification.
Comment: This variant is classified as benign based on ACMG/AMP sequence variant interpretation guidelines (Richards et al. 2015 PMID: 25741868, with internal and published modifications).

NM_032357.4(VMA22):c.93G>C (p.Leu31Phe)

Gene: VMA22 (vacuolar ATPase assembly factor VMA22; minus strand). Cytogenetic location: 2q21.1.
Variant type: single nucleotide variant.
Coding change: c.93G>C on transcript NM_032357.4 (MANE Select); coding-DNA position 93, G replaced by C.
Protein change: p.Leu31Phe; replaces leucine 31 with phenylalanine.
Molecular consequence: missense variant. On other transcripts: non-coding transcript variant (1), intron variant (2).
Genome position (GRCh38, 1-based): chr2:130,342,033, C>G on the plus strand (G>C on the coding strand, the complement: VMA22 is on the minus strand). VCF-style: chr2-130342033-C-G. GRCh37 (hg19) VCF-style: chr2-131099606-C-G.
Other names: c.93G>C (NM_032357.3); c.97-89G>C (NM_001321118.1); c.87+6G>C (NM_001321119.2); short protein forms L31F.
Identifiers: ClinVar variation 2062224 (VCV002062224.6), dbSNP rs150332171, ClinGen allele CA1871387.